The following is an entry in ClinVar:

ClinVar aggregate classification (germline): Uncertain significance (1 of 4 stars; one submission).

Conditions:
Inborn genetic diseases. Identifiers: MedGen C0950123, MeSH D030342.

Submission:

Ambry Genetics
Classification: Uncertain significance for Inborn genetic diseases. Last evaluated: 2025-05-24. Review status: criteria provided, single submitter. Criteria: Ambry Variant Classification Scheme 2023. Collection method: clinical testing. Allele origin: germline.
Comment: The p.I447T variant (also known as c.1340T>C), located in coding exon 12 of the AKT1 gene, results from a T to C substitution at nucleotide position 1340. The isoleucine at codon 447 is replaced by threonine, an amino acid with similar properties. This amino acid position is conserved. In addition, this alteration is predicted to be deleterious by in silico analysis. Based on the available evidence, the clinical significance of this variant remains unclear.

NM_001382430.1(AKT1):c.1340T>C (p.Ile447Thr)

Gene: AKT1 (AKT serine/threonine kinase 1; minus strand). Cytogenetic location: 14q32.33.
Variant type: single nucleotide variant.
Coding change: c.1340T>C on transcript NM_001382430.1 (MANE Select); coding-DNA position 1340, T replaced by C.
Protein change: p.Ile447Thr; replaces isoleucine 447 with threonine.
Molecular consequence: missense variant.
Genome position (GRCh38, 1-based): chr14:104,770,768, A>G on the plus strand (T>C on the coding strand, the complement: AKT1 is on the minus strand). VCF-style: chr14-104770768-A-G. GRCh37 (hg19) VCF-style: chr14-105237105-A-G.
Other names: c.1340T>C, p.Ile447Thr (NM_001014431.2, NM_001014432.2, NM_001382431.1 and 3 more transcripts); short protein forms I447T.
Identifiers: ClinVar variation 4036144 (VCV004036144.1).